The following is an entry in ClinVar:

NM_017617.5(NOTCH1):c.4325C>G (p.Pro1442Arg)

Gene: NOTCH1 (notch receptor 1; minus strand). Cytogenetic location: 9q34.3.
Variant type: single nucleotide variant.
Coding change: c.4325C>G on transcript NM_017617.5 (MANE Select); coding-DNA position 4325, C replaced by G.
Protein change: p.Pro1442Arg; replaces proline 1442 with arginine.
Molecular consequence: missense variant.
Genome position (GRCh38, 1-based): chr9:136,505,571, G>C on the plus strand (C>G on the coding strand, the complement: NOTCH1 is on the minus strand). VCF-style: chr9-136505571-G-C. GRCh37 (hg19) VCF-style: chr9-139400023-G-C.
Other names: p.Pro1442Arg; short protein forms P1442R.
Identifiers: ClinVar variation 2586758 (VCV002586758.5), dbSNP rs766146375, ClinGen allele CA5340642.

ClinVar aggregate classification (germline): Conflicting classifications of pathogenicity. Review status: criteria provided, conflicting classifications (1 of 4 stars). 3 submissions from 3 submitters: Uncertain significance (2); Likely benign (1). Last evaluated 2024-04-01.

Conditions:
Adams-Oliver syndrome 5 (AOS5). Identifiers: Orphanet 974, MedGen C4014970, MONDO:0014459, OMIM 616028.
Familial thoracic aortic aneurysm and aortic dissection (TAAD). Also called: Thoracic aortic aneurysms and dissections. Identifiers: Orphanet 91387, MedGen C4707243, MONDO:0019625.

gnomAD v4.1: 3 of 1,610,264 alleles (0.00019%); highest among the groups gnomAD compares: East Asian, 0.0067%; no homozygotes.

Submissions (3):

Labcorp Genetics (formerly Invitae), Labcorp
Classification: Likely benign for Adams-Oliver syndrome 5. Last evaluated: 2024-04-01. Review status: criteria provided, single submitter. Criteria: Invitae Variant Classification Sherloc (09022015). Collection method: clinical testing. Allele origin: germline.

Ambry Genetics
Classification: Uncertain significance for Familial thoracic aortic aneurysm and aortic dissection. Last evaluated: 2023-08-30. Review status: criteria provided, single submitter. Criteria: Ambry Variant Classification Scheme 2023. Collection method: clinical testing. Allele origin: germline.
Comment: The p.P1442R variant (also known as c.4325C>G), located in coding exon 25 of the NOTCH1 gene, results from a C to G substitution at nucleotide position 4325. The proline at codon 1442 is replaced by arginine, an amino acid with dissimilar properties. This amino acid position is conserved. In addition, the in silico prediction for this alteration is inconclusive. Since supporting evidence is limited at this time, the clinical significance of this alteration remains unclear.

Mayo Clinic Laboratories, Mayo Clinic
Classification: Uncertain significance. Last evaluated: 2022-03-15. Review status: criteria provided, single submitter. Criteria: ACMG Guidelines, 2015. Collection method: clinical testing. Allele origin: germline. Observed: 1 variant allele.